The following is an entry in ClinVar:

NM_001199280.2(HAS3):c.615C>T (p.Gly205=)

Gene: HAS3 (hyaluronan synthase 3; plus strand). Cytogenetic location: 16q22.1.
Variant type: single nucleotide variant.
Coding change: c.615C>T on transcript NM_001199280.2 (MANE Select); coding-DNA position 615, C replaced by T.
Protein change: p.Gly205=; no amino-acid change (glycine 205 retained).
Molecular consequence: synonymous variant.
Genome position (GRCh38, 1-based): chr16:69,110,010, C>T. VCF-style: chr16-69110010-C-T. GRCh37 (hg19) VCF-style: chr16-69143913-C-T.
Other names: c.615C>T, p.Gly205= (NM_005329.3, NM_138612.3).
Identifiers: ClinVar variation 4084281 (VCV004084281.8).

ClinVar aggregate classification (germline): Likely benign (1 of 4 stars; one submission).

gnomAD v4.1: 24 of 1,607,490 alleles (0.0015%); highest among the groups gnomAD compares: South Asian, 0.013%; no homozygotes.

Submission:

CeGaT Center for Human Genetics Tuebingen
Classification: Likely benign. Last evaluated: 2025-08-01. Review status: criteria provided, single submitter. Criteria: CeGaT Center For Human Genetics Tuebingen Variant Classification Criteria Version 2. Collection method: clinical testing. Allele origin: germline. Affected: yes. Observed: 1 variant allele.
Comment: HAS3: BP4, BP7